The following is an entry in ClinVar:

ClinVar aggregate classification (germline): Uncertain significance. Review status: criteria provided, multiple submitters, no conflicts (2 of 4 stars). 2 submissions from 2 submitters: Uncertain significance (2). Last evaluated 2024-11-22.

Conditions:
Inborn genetic diseases. Identifiers: MedGen C0950123, MeSH D030342.
Baller-Gerold syndrome (BGS). Also called: CRANIOSYNOSTOSIS WITH RADIAL DEFECTS. Identifiers: Orphanet 1225, MedGen C0265308, MONDO:0009039, OMIM 218600.

Allele frequency attached by ClinVar (database versions not stated): TOPMed below 0.00001; gnomAD exomes 0.00001 and 0.00002; ExAC 0.00002; gnomAD 0.00002.

Submissions (2):

Ambry Genetics
Classification: Uncertain significance for Inborn genetic diseases. Last evaluated: 2024-11-22. Review status: criteria provided, single submitter. Criteria: Ambry Variant Classification Scheme 2023. Collection method: clinical testing. Allele origin: germline.
Comment: The p.K382E variant (also known as c.1144A>G), located in coding exon 6 of the RECQL4 gene, results from an A to G substitution at nucleotide position 1144. The lysine at codon 382 is replaced by glutamic acid, an amino acid with similar properties. This amino acid position is conserved. In addition, the in silico prediction for this alteration is inconclusive. Based on the available evidence, the clinical significance of this variant remains unclear.

Labcorp Genetics (formerly Invitae), Labcorp
Classification: Uncertain significance for Baller-Gerold syndrome. Last evaluated: 2019-05-28. Review status: criteria provided, single submitter. Criteria: Invitae Variant Classification Sherloc (09022015). Collection method: clinical testing. Allele origin: germline.
Comment: In summary, the available evidence is currently insufficient to determine the role of this variant in disease. Therefore, it has been classified as a Variant of Uncertain Significance. Algorithms developed to predict the effect of missense changes on protein structure and function (SIFT, PolyPhen-2, Align-GVGD) all suggest that this variant is likely to be disruptive, but these predictions have not been confirmed by published functional studies and their clinical significance is uncertain. This variant has not been reported in the literature in individuals with RECQL4-related conditions. ClinVar contains an entry for this variant (Variation ID: 459305). This sequence change replaces lysine with glutamic acid at codon 382 of the RECQL4 protein (p.Lys382Glu). The lysine residue is highly conserved and there is a small physicochemical difference between lysine and glutamic acid. This variant is present in population databases (rs758161368, ExAC 0.03%).

NM_004260.4(RECQL4):c.1144A>G (p.Lys382Glu)

Gene: RECQL4 (RecQ like helicase 4; minus strand). Cytogenetic location: 8q24.3.
Variant type: single nucleotide variant.
Coding change: c.1144A>G on transcript NM_004260.4 (MANE Select); coding-DNA position 1144, A replaced by G.
Protein change: p.Lys382Glu; replaces lysine 382 with glutamic acid.
Molecular consequence: missense variant.
Genome position (GRCh38, 1-based): chr8:144,515,878, T>C on the plus strand (A>G on the coding strand, the complement: RECQL4 is on the minus strand). VCF-style: chr8-144515878-T-C. GRCh37 (hg19) VCF-style: chr8-145741262-T-C.
Other names: short protein forms K382E.
Identifiers: ClinVar variation 459305 (VCV000459305.7), dbSNP rs758161368, ClinGen allele CA4949012.